The following is an entry in ClinVar:

NM_006514.4(SCN10A):c.3802C>T (p.Arg1268Trp)

Gene: SCN10A (sodium voltage-gated channel alpha subunit 10; minus strand). Cytogenetic location: 3p22.2.
Variant type: single nucleotide variant.
Coding change: c.3802C>T on transcript NM_006514.4 (MANE Select); coding-DNA position 3802, C replaced by T.
Protein change: p.Arg1268Trp; replaces arginine 1268 with tryptophan.
Molecular consequence: missense variant.
Genome position (GRCh38, 1-based): chr3:38,713,960, G>A on the plus strand (C>T on the coding strand, the complement: SCN10A is on the minus strand). VCF-style: chr3-38713960-G-A. GRCh37 (hg19) VCF-style: chr3-38755451-G-A.
Other names: c.3799C>T, p.Arg1267Trp (NM_001293306.2); c.3508C>T, p.Arg1170Trp (NM_001293307.2); short protein forms R1268W, R1170W, R1267W.
Identifiers: ClinVar variation 1468227 (VCV001468227.9), dbSNP rs766044301, ClinGen allele CA2320113.

ClinVar aggregate classification (germline): Uncertain significance. Review status: criteria provided, multiple submitters, no conflicts (2 of 4 stars). 3 submissions from 3 submitters: Uncertain significance (3). Last evaluated 2025-03-24.

Conditions:
Episodic pain syndrome, familial, 2 (FEPS2). Identifiers: Orphanet 306577, MedGen C3809893, MONDO:0014246, OMIM 615551.
Brugada syndrome. Also called: Sudden Unexplained Death Syndrome; Sudden Unexplained Nocturnal Death Syndrome (SUNDS); Sudden unexplained nocturnal death syndrome; Sudden unexpected nocturnal death syndrome. Identifiers: Orphanet 130, MedGen C1142166, MONDO:0015263.
Cardiovascular phenotype. Identifiers: MedGen CN230736.

Allele frequency attached by ClinVar (database versions not stated): ExAC 0.00001; gnomAD exomes 0.00001.
gnomAD v4.1: 7 of 1,613,268 alleles (0.00043%); highest among the groups gnomAD compares: Admixed American, 0.0033%; no homozygotes.

Submissions (3):

Labcorp Genetics (formerly Invitae), Labcorp
Classification: Uncertain significance for Brugada syndrome. Last evaluated: 2025-03-24. Review status: criteria provided, single submitter. Criteria: Invitae Variant Classification Sherloc (09022015). Collection method: clinical testing. Allele origin: germline.
Comment: This sequence change replaces arginine, which is basic and polar, with tryptophan, which is neutral and slightly polar, at codon 1268 of the SCN10A protein (p.Arg1268Trp). This variant is present in population databases (rs766044301, gnomAD 0.003%). This variant has not been reported in the literature in individuals affected with SCN10A-related conditions. ClinVar contains an entry for this variant (Variation ID: 1468227). An algorithm developed to predict the effect of missense changes on protein structure and function (PolyPhen-2) suggests that this variant is likely to be disruptive. In summary, the available evidence is currently insufficient to determine the role of this variant in disease. Therefore, it has been classified as a Variant of Uncertain Significance.

Fulgent Genetics
Classification: Uncertain significance for Episodic pain syndrome, familial, 2. Last evaluated: 2021-08-26. Review status: criteria provided, single submitter. Criteria: ACMG Guidelines, 2015. Collection method: clinical testing. Allele origin: unknown.

Ambry Genetics
Classification: Uncertain significance for Cardiovascular phenotype. Last evaluated: 2019-02-27. Review status: criteria provided, single submitter. Criteria: Ambry Variant Classification Scheme 2023. Collection method: clinical testing. Allele origin: germline.
Comment: The p.R1268W variant (also known as c.3802C>T), located in coding exon 21 of the SCN10A gene, results from a C to T substitution at nucleotide position 3802. The arginine at codon 1268 is replaced by tryptophan, an amino acid with dissimilar properties. This amino acid position is highly conserved in available vertebrate species. In addition, this alteration is predicted to be deleterious by in silico analysis. Since supporting evidence is limited at this time, the clinical significance of this alteration remains unclear.